The following is an entry in ClinVar:

ClinVar aggregate classification (germline): Benign/Likely benign. Review status: criteria provided, multiple submitters, no conflicts (2 of 4 stars). 3 submissions from 3 submitters: Benign (1); Likely benign (1). 1 of the submissions does not count toward it. Last evaluated 2026-01-22.

Conditions:
PRIMA1-related disorder. Also called: PRIMA1-related condition.
Familial sleep-related hypermotor epilepsy. Also called: Autosomal Dominant Sleep-Related Hypermotor (Hyperkinetic) Epilepsy. Identifiers: Orphanet 98784, MedGen C3696898, MONDO:0000030.

Allele frequency attached by ClinVar (database versions not stated): gnomAD exomes 0.00025; ExAC 0.00030; 1000 Genomes Project 0.00060; 1000 Genomes Project 30x 0.00062; gnomAD 0.00109 and 0.00115; TOPMed 0.00127; ESP Exome Variant Server 0.00169.
gnomAD v4.1: 320 of 1,613,948 alleles (0.02%); highest among the groups gnomAD compares: African/African-American, 0.36%; no homozygotes.

Submissions (3):

Labcorp Genetics (formerly Invitae), Labcorp
Classification: Benign for Familial sleep-related hypermotor epilepsy. Last evaluated: 2026-01-22. Review status: criteria provided, single submitter. Criteria: Invitae Variant Classification Sherloc (09022015). Collection method: clinical testing. Allele origin: germline.

Blueprint Genetics
Classification: Likely benign. Last evaluated: 2024-10-18. Review status: criteria provided, single submitter. Criteria: ACMG Guidelines, 2015. Collection method: clinical testing. Allele origin: germline.

PreventionGenetics, part of Exact Sciences
Classification: Likely benign for PRIMA1-related condition. Last evaluated: 2019-03-12. Review status: no assertion criteria provided. Collection method: clinical testing. Allele origin: germline. Not counted in ClinVar's aggregate classification.
Comment: This variant is classified as likely benign based on ACMG/AMP sequence variant interpretation guidelines (Richards et al. 2015 PMID: 25741868, with internal and published modifications).

NM_178013.4(PRIMA1):c.402G>A (p.Glu134=)

Gene: PRIMA1 (proline rich membrane anchor 1; minus strand). Cytogenetic location: 14q32.12.
Variant type: single nucleotide variant.
Coding change: c.402G>A on transcript NM_178013.4 (MANE Select); coding-DNA position 402, G replaced by A.
Protein change: p.Glu134=; no amino-acid change (glutamic acid 134 retained).
Molecular consequence: synonymous variant.
Genome position (GRCh38, 1-based): chr14:93,721,504, C>T on the plus strand (G>A on the coding strand, the complement: PRIMA1 is on the minus strand). VCF-style: chr14-93721504-C-T. GRCh37 (hg19) VCF-style: chr14-94187850-C-T.
Identifiers: ClinVar variation 476373 (VCV000476373.15), dbSNP rs139674492, ClinGen allele CA7323004.
Genomic context (GRCh38, chr14:93,721,504, plus strand): 5'-TCACACCACTGCGTTGTTCACGTCTACTCCTTTGTTGCTCTGCGAAGCACTCATGGGATA[C>T]TCAGCAACGCTGGTGCCATTTTCGTCTTTTCTCAGTGGTTTCCTGGAAGTGGGGGGAGGG-3'
Protein context (NP_821092.1, residues 124-144): RKDENGTSVA[Glu134=]YPMSASQSNK